The following is an entry in ClinVar:

ClinVar aggregate classification (germline): Uncertain significance (1 of 4 stars; one submission).

Conditions:
Rubinstein-Taybi syndrome (RSTS). Identifiers: Orphanet 783, MedGen C0035934, MONDO:0019188.

Submission:

Labcorp Genetics (formerly Invitae), Labcorp
Classification: Uncertain significance for Rubinstein-Taybi syndrome. Last evaluated: 2025-12-22. Review status: criteria provided, single submitter. Criteria: Invitae Variant Classification Sherloc (09022015). Collection method: clinical testing. Allele origin: germline.
Comment: This sequence change replaces proline, which is neutral and non-polar, with serine, which is neutral and polar, at codon 813 of the CREBBP protein (p.Pro813Ser). This variant is not present in population databases (gnomAD no frequency). This variant has not been reported in the literature in individuals affected with CREBBP-related conditions. Invitae Evidence Modeling of protein sequence and biophysical properties (such as structural, functional, and spatial information, amino acid conservation, physicochemical variation, residue mobility, and thermodynamic stability) indicates that this missense variant is not expected to disrupt CREBBP protein function with a negative predictive value of 95%. In summary, the available evidence is currently insufficient to determine the role of this variant in disease. Therefore, it has been classified as a Variant of Uncertain Significance.

NM_004380.3(CREBBP):c.2437C>T (p.Pro813Ser)

Gene: CREBBP (CREB binding lysine acetyltransferase; minus strand). Cytogenetic location: 16p13.3.
Variant type: single nucleotide variant.
Coding change: c.2437C>T on transcript NM_004380.3 (MANE Select); coding-DNA position 2437, C replaced by T.
Protein change: p.Pro813Ser; replaces proline 813 with serine.
Molecular consequence: missense variant.
Genome position (GRCh38, 1-based): chr16:3,773,777, G>A on the plus strand (C>T on the coding strand, the complement: CREBBP is on the minus strand). VCF-style: chr16-3773777-G-A. GRCh37 (hg19) VCF-style: chr16-3823778-G-A.
Other names: c.2323C>T, p.Pro775Ser (NM_001079846.1); short protein forms P775S, P813S.
Identifiers: ClinVar variation 4802897 (VCV004802897.1).